The following is an entry in ClinVar:

NM_001018005.2(TPM1):c.645G>A (p.Ser215=)

Gene: TPM1 (tropomyosin 1; plus strand). Cytogenetic location: 15q22.2.
Variant type: single nucleotide variant.
Coding change: c.645G>A on transcript NM_001018005.2 (MANE Select); coding-DNA position 645, G replaced by A.
Protein change: p.Ser215=; no amino-acid change (serine 215 retained).
Molecular consequence: synonymous variant.
Genome position (GRCh38, 1-based): chr15:63,062,220, G>A. VCF-style: chr15-63062220-G-A. GRCh37 (hg19) VCF-style: chr15-63354419-G-A.
Other names: c.645G>A, p.Ser215= (NM_000366.6, NM_001018004.2, NM_001018006.2 and 6 more transcripts); c.537G>A, p.Ser179= (NM_001018008.2, NM_001301289.2, NM_001330344.2 and 5 more transcripts); c.771G>A, p.Ser257= (NM_001365778.1); c.645G>A (NM_001018020.1).
Identifiers: ClinVar variation 924114 (VCV000924114.13), dbSNP rs773403386, ClinGen allele CA031236.

ClinVar aggregate classification (germline): Likely benign. Review status: criteria provided, multiple submitters, no conflicts (2 of 4 stars). 5 submissions from 5 submitters: Likely benign (5). Last evaluated 2026-09-18.

Conditions:
TPM1-related disorder. Also called: TPM1-related condition.
Cardiovascular phenotype. Identifiers: MedGen CN230736.
Hypertrophic cardiomyopathy. Also called: HYPERTROPHIC MYOCARDIOPATHY. Identifiers: Orphanet 217569, MedGen C0007194, MeSH D002312, MONDO:0005045, HP:0001639.
Cardiomyopathy (CMYO). Also called: Cardiomyopathies. Identifiers: Orphanet 167848, MedGen C0878544, MONDO:0004994, HP:0001638. Inheritance: Various modes of inheritance.

Allele frequency attached by ClinVar (database versions not stated): ExAC 0.00002; gnomAD exomes 0.00002; TOPMed 0.00004.
gnomAD v4.1: 9 of 1,613,856 alleles (0.00056%); highest among the groups gnomAD compares: Middle Eastern, 0.016%; no homozygotes.

Submissions (5):

PreventionGenetics, part of Exact Sciences
Classification: Likely benign for TPM1-related condition. Last evaluated: 2026-09-18. Review status: criteria provided, single submitter. Criteria: ACMG Guidelines, 2015. Collection method: clinical testing. Allele origin: germline.
Comment: This variant is classified as likely benign based on ACMG/AMP sequence variant interpretation guidelines (Richards et al. 2015 PMID: 25741868, with internal and published modifications).

Labcorp Genetics (formerly Invitae), Labcorp
Classification: Likely benign for Hypertrophic cardiomyopathy. Last evaluated: 2024-06-19. Review status: criteria provided, single submitter. Criteria: Invitae Variant Classification Sherloc (09022015). Collection method: clinical testing. Allele origin: germline.

All of Us Research Program, National Institutes of Health
Classification: Likely benign for Hypertrophic cardiomyopathy. Last evaluated: 2023-06-28. Review status: criteria provided, single submitter. Criteria: ACMG Guidelines, 2015. Collection method: clinical testing. Allele origin: germline. Inheritance: Autosomal dominant inheritance. Observed: 2 variant alleles, 2 heterozygotes.
Comment: This study involves interpretation of variants in research participants for the purpose of population health screening. Participant phenotype was not available at the time of variant classification. Additional details can be found in publication PMID: 35346344, PMCID: PMC8962531

Ambry Genetics
Classification: Likely benign for Cardiovascular phenotype. Last evaluated: 2022-04-03. Review status: criteria provided, single submitter. Criteria: Ambry Variant Classification Scheme 2023. Collection method: clinical testing. Allele origin: germline.

Color Diagnostics, LLC DBA Color Health
Classification: Likely benign for Cardiomyopathy. Last evaluated: 2019-09-27. Review status: criteria provided, single submitter. Criteria: ACMG Guidelines, 2015. Collection method: clinical testing. Allele origin: germline.